The following is an entry in ClinVar:

ClinVar aggregate classification (germline): Uncertain significance (1 of 4 stars; one submission).

Conditions:
Hereditary cancer-predisposing syndrome. Also called: Neoplastic Syndromes, Hereditary; Tumor predisposition; Hereditary neoplastic syndrome; Hereditary Cancer Syndrome. Identifiers: Orphanet 140162, MedGen C0027672, MeSH D009386, MONDO:0015356.

Submission:

Ambry Genetics
Classification: Uncertain significance for Hereditary cancer-predisposing syndrome. Last evaluated: 2023-10-15. Review status: criteria provided, single submitter. Criteria: Ambry Variant Classification Scheme 2023. Collection method: clinical testing. Allele origin: germline.
Comment: The p.F619L variant (also known as c.1855T>C), located in coding exon 10 of the RET gene, results from a T to C substitution at nucleotide position 1855. The phenylalanine at codon 619 is replaced by leucine, an amino acid with highly similar properties. This amino acid position is conserved. In addition, the in silico prediction for this alteration is inconclusive. Since supporting evidence is limited at this time, the clinical significance of this alteration remains unclear.

NM_020975.6(RET):c.1855T>C (p.Phe619Leu)

Gene: RET (ret proto-oncogene; plus strand). Cytogenetic location: 10q11.21.
Variant type: single nucleotide variant.
Coding change: c.1855T>C on transcript NM_020975.6 (MANE Select); coding-DNA position 1855, T replaced by C.
Protein change: p.Phe619Leu; replaces phenylalanine 619 with leucine.
Molecular consequence: missense variant. On other transcripts: intron variant (2).
Genome position (GRCh38, 1-based): chr10:43,113,651, T>C. VCF-style: chr10-43113651-T-C. GRCh37 (hg19) VCF-style: chr10-43609099-T-C.
Other names: c.1330T>C, p.Phe444Leu (NM_001406774.1); c.1129T>C, p.Phe377Leu (NM_001406775.1, NM_001406776.1, NM_001406777.1 and 1 more transcripts); c.958T>C, p.Phe320Leu (NM_001406779.1, NM_001406780.1, NM_001406781.1 and 2 more transcripts); c.829T>C, p.Phe277Leu (NM_001406783.1, NM_001406786.1); c.865T>C, p.Phe289Leu (NM_001406784.1); c.670T>C, p.Phe224Leu (NM_001406788.1, NM_001406789.1, NM_001406790.1); c.406T>C, p.Phe136Leu (NM_001406792.1, NM_001406793.1, NM_001406794.1); c.1855T>C, p.Phe619Leu (NM_020629.2, NM_020630.7, NM_000323.2 and 6 more transcripts); and 7 more; short protein forms F136L, F224L, F277L, F289L, F320L, F365L, F377L, F444L.
Identifiers: ClinVar variation 3227516 (VCV003227516.1), dbSNP rs2132830913, ClinGen allele CA376552816.